The following is an entry in ClinVar:

ClinVar aggregate classification (germline): Uncertain significance. Review status: criteria provided, multiple submitters, no conflicts (2 of 4 stars). 3 submissions from 3 submitters: Uncertain significance (3). Last evaluated 2025-04-11.

Conditions:
Inborn genetic diseases. Identifiers: MedGen C0950123, MeSH D030342.
Congenital myasthenic syndrome 8. Also called: MYASTHENIC SYNDROME, CONGENITAL, DUE TO AGRIN DEFICIENCY; Myasthenic syndrome, congenital, 8, with pre- and postsynaptic defects. Identifiers: Orphanet 590, MedGen C3808739, MONDO:0014052, OMIM 615120.

Allele frequency attached by ClinVar (database versions not stated): TOPMed 0.00029; ESP Exome Variant Server 0.00031.
gnomAD v4.1: 600 of 1,613,818 alleles (0.037%); highest among the groups gnomAD compares: Non-Finnish European, 0.046%; no homozygotes.

Submissions (3):

Revvity Omics, Revvity
Classification: Uncertain significance for Congenital myasthenic syndrome 8. Last evaluated: 2025-04-11. Review status: criteria provided, single submitter. Criteria: ACMG Guidelines, 2015. Collection method: clinical testing. Allele origin: germline.

Labcorp Genetics (formerly Invitae), Labcorp
Classification: Uncertain significance for Congenital myasthenic syndrome 8. Last evaluated: 2025-01-01. Review status: criteria provided, single submitter. Criteria: Invitae Variant Classification Sherloc (09022015). Collection method: clinical testing. Allele origin: germline.
Comment: This sequence change replaces arginine, which is basic and polar, with cysteine, which is neutral and slightly polar, at codon 905 of the AGRN protein (p.Arg905Cys). This variant is present in population databases (rs199593375, gnomAD 0.05%). This variant has not been reported in the literature in individuals affected with AGRN-related conditions. ClinVar contains an entry for this variant (Variation ID: 474108). An algorithm developed to predict the effect of missense changes on protein structure and function (PolyPhen-2) suggests that this variant¬†is likely to be tolerated. In summary, the available evidence is currently insufficient to determine the role of this variant in disease. Therefore, it has been classified as a Variant of Uncertain Significance.

Ambry Genetics
Classification: Uncertain significance for Inborn genetic diseases. Last evaluated: 2021-09-16. Review status: criteria provided, single submitter. Criteria: Ambry Variant Classification Scheme 2023. Collection method: clinical testing. Allele origin: germline.

NM_198576.4(AGRN):c.2713C>T (p.Arg905Cys)

Gene: AGRN (agrin; plus strand). Cytogenetic location: 1p36.33.
Variant type: single nucleotide variant.
Coding change: c.2713C>T on transcript NM_198576.4 (MANE Select); coding-DNA position 2713, C replaced by T.
Protein change: p.Arg905Cys; replaces arginine 905 with cysteine.
Molecular consequence: missense variant.
Genome position (GRCh38, 1-based): chr1:1,045,996, C>T. VCF-style: chr1-1045996-C-T. GRCh37 (hg19) VCF-style: chr1-981376-C-T.
Other names: c.2713C>T, p.Arg905Cys (NM_001305275.2); c.2398C>T, p.Arg800Cys (NM_001364727.2); short protein forms R905C, R800C.
Identifiers: ClinVar variation 474108 (VCV000474108.9), dbSNP rs199593375, ClinGen allele CA508778.
Genomic context (GRCh38, chr1:1,045,996, plus strand): 5'-ACAGAGGTTTCCCATGCCCGTGCCCCAGACGCTTCTGCGCCTGCGACCTGTGCGGAGATG[C>T]GCTGTGAGTTCGGTGCGCGGTGCGTGGAGGAGTCTGGCTCAGCCCACTGTGTCTGCCCGA-3'
Protein context (NP_940978.2, residues 895-915): ASAPATCAEM[Arg905Cys]CEFGARCVEE